The following is an entry in ClinVar:

NM_001035.3(RYR2):c.567A>T (p.Glu189Asp)

Gene: RYR2 (ryanodine receptor 2; plus strand). Cytogenetic location: 1q43.
Variant type: single nucleotide variant.
Coding change: c.567A>T on transcript NM_001035.3 (MANE Select); coding-DNA position 567, A replaced by T.
Protein change: p.Glu189Asp; replaces glutamic acid 189 with aspartic acid.
Molecular consequence: missense variant.
Genome position (GRCh38, 1-based): chr1:237,377,426, A>T. VCF-style: chr1-237377426-A-T. GRCh37 (hg19) VCF-style: chr1-237540726-A-T.
Other names: c.567A>T, p.Glu189Asp (LRG_402t1); short protein forms E189D.
Identifiers: ClinVar variation 463608 (VCV000463608.8), dbSNP rs1415931588, ClinGen allele CA345375725.

ClinVar aggregate classification (germline): Pathogenic (1 of 4 stars; one submission).

Conditions:
Catecholaminergic polymorphic ventricular tachycardia 1. Also called: VENTRICULAR TACHYCARDIA, STRESS-INDUCED POLYMORPHIC 1; VENTRICULAR TACHYCARDIA, CATECHOLAMINERGIC POLYMORPHIC, 1, WITH OR WITHOUT ATRIAL DYSFUNCTION AND/OR DILATED CARDIOMYOPATHY; RYR2-Related Catecholaminergic Polymorphic Ventricular Tachycardia. Identifiers: Orphanet 3286, MedGen C1631597, MONDO:0011484, OMIM 604772.

Submission:

Labcorp Genetics (formerly Invitae), Labcorp
Classification: Pathogenic for Catecholaminergic polymorphic ventricular tachycardia 1. Last evaluated: 2025-01-27. Review status: criteria provided, single submitter. Criteria: Invitae Variant Classification Sherloc (09022015). Collection method: clinical testing. Allele origin: germline.
Comment: This sequence change replaces glutamic acid, which is acidic and polar, with aspartic acid, which is acidic and polar, at codon 189 of the RYR2 protein (p.Glu189Asp). This variant is not present in population databases (gnomAD no frequency). This missense change has been observed in individuals with clinical features of autosomal dominant catecholaminergic polymorphic ventricular tachycardia (PMID: 20676041, 32152366; internal data). ClinVar contains an entry for this variant (Variation ID: 463608). Invitae Evidence Modeling of protein sequence and biophysical properties (such as structural, functional, and spatial information, amino acid conservation, physicochemical variation, residue mobility, and thermodynamic stability) indicates that this missense variant is expected to disrupt RYR2 protein function with a positive predictive value of 95%. Experimental studies have shown that this missense change affects RYR2 function (PMID: 20676041, 22374134). For these reasons, this variant has been classified as Pathogenic.

Literature cited by the submitters: PubMed 20676041; PubMed 32152366; PubMed 22374134.